The following is an entry in ClinVar:

NM_000388.4(CASR):c.1858G>T (p.Ala620Ser)

Gene: CASR (calcium sensing receptor; plus strand). Cytogenetic location: 3q21.1.
Variant type: single nucleotide variant.
Coding change: c.1858G>T on transcript NM_000388.4 (MANE Select); coding-DNA position 1858, G replaced by T.
Protein change: p.Ala620Ser; replaces alanine 620 with serine.
Molecular consequence: missense variant.
Genome position (GRCh38, 1-based): chr3:122,283,812, G>T. VCF-style: chr3-122283812-G-T. GRCh37 (hg19) VCF-style: chr3-122002659-G-T.
Other names: c.1888G>T, p.Ala630Ser (NM_001178065.2); short protein forms A620S, A630S.
Identifiers: ClinVar variation 3231517 (VCV003231517.1), dbSNP rs2473276605, ClinGen allele CA354157689.
Genomic context (GRCh38, chr3:122,283,812, plus strand): 5'-GCCAAGGAGATCGAGTTTCTGTCGTGGACGGAGCCCTTTGGGATCGCACTCACCCTCTTT[G>T]CCGTGCTGGGCATTTTCCTGACAGCCTTTGTGCTGGGTGTGTTTATCAAGTTCCGCAACA-3'
Protein context (NP_000379.3, residues 610-630): EPFGIALTLF[Ala620Ser]VLGIFLTAFV

ClinVar aggregate classification (germline): Uncertain significance (1 of 4 stars; one submission).

Conditions:
Nephrolithiasis/nephrocalcinosis. Identifiers: MedGen CN580796.

Submission:

Ambry Genetics
Classification: Uncertain significance for Nephrolithiasis/nephrocalcinosis. Last evaluated: 2023-03-23. Review status: criteria provided, single submitter. Criteria: Ambry Variant Classification Scheme 2023. Collection method: clinical testing. Allele origin: germline.
Comment: The p.A620S variant (also known as c.1858G>T), located in coding exon 6 of the CASR gene, results from a G to T substitution at nucleotide position 1858. The alanine at codon 620 is replaced by serine, an amino acid with similar properties. This amino acid position is conserved. In addition, the in silico prediction for this alteration is inconclusive. Since supporting evidence is limited at this time, the clinical significance of this alteration remains unclear.